The following is an entry in ClinVar:

NM_000492.4(CFTR):c.1603G>C (p.Glu535Gln)

Genes: CFTR (CF transmembrane conductance regulator; plus strand), LOC111674475 (CFTR intron 11 enhancer; plus strand). Cytogenetic location: 7q31.2.
Variant type: single nucleotide variant.
Coding change: c.1603G>C on transcript NM_000492.4 (MANE Select); coding-DNA position 1603, G replaced by C.
Protein change: p.Glu535Gln; replaces glutamic acid 535 with glutamine.
Molecular consequence: missense variant.
Genome position (GRCh38, 1-based): chr7:117,587,757, G>C. VCF-style: chr7-117587757-G-C. GRCh37 (hg19) VCF-style: chr7-117227811-G-C.
Other names: short protein forms E535Q.
Identifiers: ClinVar variation 4651520 (VCV004651520.1).

ClinVar aggregate classification (germline): Uncertain significance (1 of 4 stars; one submission).

Conditions:
Cystic fibrosis (CF). Also called: MUCOVISCIDOSIS. Identifiers: Orphanet 586, MedGen C0010674, MONDO:0009061, OMIM 219700. Disease mechanism: loss of function.

gnomAD v4.1: 1 of 1,609,532 alleles (0.000062%); no homozygotes.

Submission:

Ambry Genetics
Classification: Uncertain significance for Cystic fibrosis. Last evaluated: 2025-12-06. Review status: criteria provided, single submitter. Criteria: Ambry Variant Classification Scheme 2023. Collection method: clinical testing. Allele origin: germline.
Comment: The p.E535Q variant (also known as c.1603G>C), located in coding exon 12 of the CFTR gene, results from a G to C substitution at nucleotide position 1603. The glutamic acid at codon 535 is replaced by glutamine, an amino acid with highly similar properties. This amino acid position is conserved. In addition, the in silico prediction for this alteration is inconclusive. Based on the available evidence, the clinical significance of this variant remains unclear.